The following is an entry in ClinVar:

ClinVar aggregate classification (germline): Uncertain significance. Review status: criteria provided, multiple submitters, no conflicts (2 of 4 stars). 3 submissions from 3 submitters: Uncertain significance (2). 1 of the submissions does not count toward it. Last evaluated 2024-01-31.

Conditions:
Galactosemia. Also called: Galactose intolerance. Identifiers: Orphanet 352, MedGen C0016952, MONDO:0018116, HP:0004919. Disease mechanism: loss of function.

Submissions (3):

Mayo Clinic Laboratories, Mayo Clinic
Classification: Uncertain significance. Last evaluated: 2024-01-31. Review status: criteria provided, single submitter. Criteria: ACMG Guidelines, 2015. Collection method: clinical testing. Allele origin: germline. Observed: 1 variant allele.
Comment: PP3, PP4, PM2_moderate

Women's Health and Genetics/Laboratory Corporation of America, LabCorp
Classification: Uncertain significance. Last evaluated: 2021-07-28. Review status: criteria provided, single submitter. Criteria: LabCorp Variant Classification Summary - May 2015. Collection method: clinical testing. Allele origin: germline.
Comment: Variant summary: GALT c.285T>G (p.Phe95Leu) results in a non-conservative amino acid change located in the Galactose-1-phosphate uridyl transferase, N-terminal domain of the encoded protein sequence. Five of five in-silico tools predict a damaging effect of the variant on protein function. The variant was absent in 251494 control chromosomes. The available data on variant occurrences in the general population are insufficient to allow any conclusion about variant significance. c.285T>G has been reported in the literature in one individual affected with Galactosemia (Jezela-Stanek_2021). These data do not allow any conclusion about variant significance. To our knowledge, no experimental evidence demonstrating an impact on protein function has been reported. No clinical diagnostic laboratories have submitted clinical-significance assessments for this variant to ClinVar after 2014. Based on the evidence outlined above, the variant was classified as uncertain significance.

Natera, Inc.
Classification: Uncertain significance for Galactosemia. Last evaluated: 2021-09-10. Review status: no assertion criteria provided. Collection method: clinical testing. Allele origin: germline. Not counted in ClinVar's aggregate classification.

Literature cited by the submitters: PubMed 11678552 (cited by Mayo Clinic Laboratories, Mayo Clinic); PubMed 27005423 (cited by Mayo Clinic Laboratories, Mayo Clinic and Women's Health and Genetics/Laboratory Corporation of America, LabCorp); PubMed 34030713 (cited by Mayo Clinic Laboratories, Mayo Clinic and Women's Health and Genetics/Laboratory Corporation of America, LabCorp).

NM_000155.4(GALT):c.285T>G (p.Phe95Leu)

Gene: GALT (galactose-1-phosphate uridylyltransferase; plus strand). Cytogenetic location: 9p13.3.
Variant type: single nucleotide variant.
Coding change: c.285T>G on transcript NM_000155.4 (MANE Select); coding-DNA position 285, T replaced by G.
Protein change: p.Phe95Leu; replaces phenylalanine 95 with leucine.
Molecular consequence: missense variant. On other transcripts: intron variant (1).
Genome position (GRCh38, 1-based): chr9:34,647,524, T>G. VCF-style: chr9-34647524-T-G. GRCh37 (hg19) VCF-style: chr9-34647521-T-G.
Other names: p.Phe95Leu; c.50+266T>G (NM_001258332.2).
Identifiers: ClinVar variation 25145 (VCV000025145.6), dbSNP rs111033668, ClinGen allele CA259353.